The following is an entry in ClinVar:

NM_001386140.1(MTTP):c.137G>C (p.Arg46Pro)

Gene: MTTP (microsomal triglyceride transfer protein; plus strand). Cytogenetic location: 4q23.
Variant type: single nucleotide variant.
Coding change: c.137G>C on transcript NM_001386140.1 (MANE Select); coding-DNA position 137, G replaced by C.
Protein change: p.Arg46Pro; replaces arginine 46 with proline.
Molecular consequence: missense variant. On other transcripts: 5 prime UTR variant (1).
Genome position (GRCh38, 1-based): chr4:99,581,980, G>C. VCF-style: chr4-99581980-G-C. GRCh37 (hg19) VCF-style: chr4-100503137-G-C.
Other names: c.137G>C, p.Arg46Pro (NM_000253.4); c.-113G>C (NM_001300785.2); short protein forms R46P.
Identifiers: ClinVar variation 1977678 (VCV001977678.2), dbSNP rs777632344, ClinGen allele CA357500759.

ClinVar aggregate classification (germline): Uncertain significance (1 of 4 stars; one submission).

Allele frequency attached by ClinVar (database versions not stated): gnomAD 0.00001.
gnomAD v4.1: 3 of 1,614,006 alleles (0.00019%); highest among the groups gnomAD compares: South Asian, 0.0022%; no homozygotes.

Submission:

Labcorp Genetics (formerly Invitae), Labcorp
Classification: Uncertain significance. Last evaluated: 2022-07-26. Review status: criteria provided, single submitter. Criteria: Invitae Variant Classification Sherloc (09022015). Collection method: clinical testing. Allele origin: germline.
Comment: This sequence change replaces arginine, which is basic and polar, with proline, which is neutral and non-polar, at codon 46 of the MTTP protein (p.Arg46Pro). This variant is not present in population databases (gnomAD no frequency). This variant has not been reported in the literature in individuals affected with MTTP-related conditions. Algorithms developed to predict the effect of missense changes on protein structure and function (SIFT, PolyPhen-2, Align-GVGD) all suggest that this variant is likely to be tolerated. In summary, the available evidence is currently insufficient to determine the role of this variant in disease. Therefore, it has been classified as a Variant of Uncertain Significance.